The following is an entry in ClinVar:

ClinVar aggregate classification (germline): Uncertain significance (1 of 4 stars; one submission).

Conditions:
Inborn genetic diseases. Identifiers: MedGen C0950123, MeSH D030342.

gnomAD v4.1: 2 of 1,612,826 alleles (0.00012%); highest among the groups gnomAD compares: African/African-American, 0.0013%; no homozygotes.

Submission:

Ambry Genetics
Classification: Uncertain significance for Inborn genetic diseases. Last evaluated: 2024-12-12. Review status: criteria provided, single submitter. Criteria: Ambry Variant Classification Scheme 2023. Collection method: clinical testing. Allele origin: germline.
Comment: The p.K139E variant (also known as c.415A>G), located in coding exon 4 of the CEP57 gene, results from an A to G substitution at nucleotide position 415. The lysine at codon 139 is replaced by glutamic acid, an amino acid with similar properties. This amino acid position is conserved. In addition, the in silico prediction for this alteration is inconclusive. Based on the available evidence, the clinical significance of this variant remains unclear.

NM_014679.5(CEP57):c.415A>G (p.Lys139Glu)

Gene: CEP57 (centrosomal protein 57; plus strand). Cytogenetic location: 11q21.
Variant type: single nucleotide variant.
Coding change: c.415A>G on transcript NM_014679.5 (MANE Select); coding-DNA position 415, A replaced by G.
Protein change: p.Lys139Glu; replaces lysine 139 with glutamic acid.
Molecular consequence: missense variant.
Genome position (GRCh38, 1-based): chr11:95,813,500, A>G. VCF-style: chr11-95813500-A-G. GRCh37 (hg19) VCF-style: chr11-95546664-A-G.
Other names: c.388A>G, p.Lys130Glu (NM_001243776.2); c.415A>G, p.Lys139Glu (NM_001243777.2); c.334A>G, p.Lys112Glu (NM_001363604.2); short protein forms K139E, K112E, K130E.
Identifiers: ClinVar variation 3831931 (VCV003831931.1).